The following is an entry in ClinVar:

ClinVar aggregate classification (germline): Uncertain significance (1 of 4 stars; one submission).

Conditions:
Aicardi-Goutieres syndrome 6 (AGS6). Identifiers: Orphanet 51, MedGen C3539013, MONDO:0014007, OMIM 615010.
Symmetrical dyschromatosis of extremities (DSH). Also called: RETICULATE ACROPIGMENTATION OF DOHI; SYMMETRIC DYSCHROMATOSIS OF THE EXTREMITIES; Dyschromatosis symmetrica hereditaria; DYSCHROMATOSIS SYMMETRICA HEREDITARIA 1. Identifiers: Orphanet 41, MedGen C0406775, MONDO:0007483, OMIM 127400.

Allele frequency attached by ClinVar (database versions not stated): gnomAD exomes below 0.00001; ExAC 0.00001.
gnomAD v4.1: 1 of 1,613,952 alleles (0.000062%); highest among the groups gnomAD compares: Non-Finnish European, 0.000085%; no homozygotes.

Submission:

Labcorp Genetics (formerly Invitae), Labcorp
Classification: Uncertain significance for Aicardi-Goutieres syndrome 6; Symmetrical dyschromatosis of extremities. Last evaluated: 2022-10-07. Review status: criteria provided, single submitter. Criteria: Invitae Variant Classification Sherloc (09022015). Collection method: clinical testing. Allele origin: germline.
Comment: This sequence change replaces valine, which is neutral and non-polar, with alanine, which is neutral and non-polar, at codon 1156 of the ADAR protein (p.Val1156Ala). This variant is present in population databases (rs745866663, gnomAD 0.0009%). This variant has not been reported in the literature in individuals affected with ADAR-related conditions. Advanced modeling of protein sequence and biophysical properties (such as structural, functional, and spatial information, amino acid conservation, physicochemical variation, residue mobility, and thermodynamic stability) has been performed at Invitae for this missense variant, however the output from this modeling did not meet the statistical confidence thresholds required to predict the impact of this variant on ADAR protein function. In summary, the available evidence is currently insufficient to determine the role of this variant in disease. Therefore, it has been classified as a Variant of Uncertain Significance.

NM_001111.5(ADAR):c.3467T>C (p.Val1156Ala)

Gene: ADAR (adenosine deaminase RNA specific; minus strand). Cytogenetic location: 1q21.3.
Variant type: single nucleotide variant.
Coding change: c.3467T>C on transcript NM_001111.5 (MANE Select); coding-DNA position 3467, T replaced by C.
Protein change: p.Val1156Ala; replaces valine 1156 with alanine.
Molecular consequence: missense variant.
Genome position (GRCh38, 1-based): chr1:154,585,020, A>G on the plus strand (T>C on the coding strand, the complement: ADAR is on the minus strand). VCF-style: chr1-154585020-A-G. GRCh37 (hg19) VCF-style: chr1-154557496-A-G.
Other names: c.2582T>C, p.Val861Ala (NM_001025107.3, NM_001193495.2, NM_001365046.1 and 2 more transcripts); c.3494T>C, p.Val1165Ala (NM_001365045.1); c.2504T>C, p.Val835Ala (NM_001365049.1); c.3389T>C, p.Val1130Ala (NM_015840.4); c.3332T>C, p.Val1111Ala (NM_015841.4); short protein forms V1111A, V1130A, V1156A, V1165A, V835A, V861A.
Identifiers: ClinVar variation 1721105 (VCV001721105.5), dbSNP rs745866663, ClinGen allele CA1130932.
Genomic context (GRCh38, chr1:154,585,020, plus strand): 5'-TCCCTGCGGTAACGGAAGGAGCAGAGCTTCTTAAATAGAAGAAAAATGTTCTTTTTGGAG[A>G]CCCGGGACAATTCATTCCGTGGCCTAGAGAAACAAAAGCACTCATTATTCACCTGGGACC-3'
Protein context (NP_001102.3, residues 1146-1166): VDGPRNELSR[Val1156Ala]SKKNIFLLFK